The following is an entry in ClinVar:

NM_000081.4(LYST):c.10192C>T (p.Arg3398Ter)

Gene: LYST (lysosomal trafficking regulator; minus strand). Cytogenetic location: 1q42.3.
Variant type: single nucleotide variant.
Coding change: c.10192C>T on transcript NM_000081.4 (MANE Select); coding-DNA position 10192, C replaced by T.
Protein change: p.Arg3398Ter; replaces arginine 3398 with a stop codon.
Molecular consequence: nonsense.
Genome position (GRCh38, 1-based): chr1:235,702,929, G>A on the plus strand (C>T on the coding strand, the complement: LYST is on the minus strand). VCF-style: chr1-235702929-G-A. GRCh37 (hg19) VCF-style: chr1-235866229-G-A.
Other names: c.10192C>T, p.Arg3398Ter (NM_001301365.1); short protein forms R3398*.
Identifiers: ClinVar variation 5018452 (VCV005018452.1).

ClinVar aggregate classification (germline): Pathogenic (1 of 4 stars; one submission).

gnomAD v4.1: 1 of 1,614,066 alleles (0.000062%); highest among the groups gnomAD compares: African/African-American, 0.0013%; no homozygotes.

Submission:

GeneDx
Classification: Pathogenic. Last evaluated: 2026-04-10. Review status: criteria provided, single submitter. Criteria: GeneDx Variant Classification Process June 2021. Collection method: clinical testing. Allele origin: germline.
Comment: Nonsense variant predicted to result in protein truncation or nonsense mediated decay in a gene for which loss of function is a known mechanism of disease; Not observed at significant frequency in large population cohorts (gnomAD); This variant is associated with the following publications: (PMID: 40591236)